The following is an entry in ClinVar:

ClinVar aggregate classification (germline): Uncertain significance (1 of 4 stars; one submission).

Conditions:
Emery-Dreifuss muscular dystrophy 5, autosomal dominant (EDMD5). Also called: EMERY-DREIFUSS MUSCULAR DYSTROPHY 5. Identifiers: Orphanet 261, MedGen C2751805, MONDO:0013072, OMIM 612999.

Submission:

Labcorp Genetics (formerly Invitae), Labcorp
Classification: Uncertain significance for Emery-Dreifuss muscular dystrophy 5, autosomal dominant. Last evaluated: 2022-06-20. Review status: criteria provided, single submitter. Criteria: Invitae Variant Classification Sherloc (09022015). Collection method: clinical testing. Allele origin: germline.
Comment: Algorithms developed to predict the effect of missense changes on protein structure and function output the following: SIFT: "Tolerated"; PolyPhen-2: "Benign"; Align-GVGD: "Class C0". The asparagine amino acid residue is found in multiple mammalian species, which suggests that this missense change does not adversely affect protein function. In summary, the available evidence is currently insufficient to determine the role of this variant in disease. Therefore, it has been classified as a Variant of Uncertain Significance. ClinVar contains an entry for this variant (Variation ID: 470984). This variant has not been reported in the literature in individuals affected with SYNE2-related conditions. This variant is not present in population databases (gnomAD no frequency). This sequence change replaces aspartic acid, which is acidic and polar, with asparagine, which is neutral and polar, at codon 268 of the SYNE2 protein (p.Asp268Asn).

NM_182914.3(SYNE2):c.802G>A (p.Asp268Asn)

Gene: SYNE2 (spectrin repeat containing nuclear envelope protein 2; plus strand). Cytogenetic location: 14q23.2.
Variant type: single nucleotide variant.
Coding change: c.802G>A on transcript NM_182914.3 (MANE Select); coding-DNA position 802, G replaced by A.
Protein change: p.Asp268Asn; replaces aspartic acid 268 with asparagine.
Molecular consequence: missense variant.
Genome position (GRCh38, 1-based): chr14:63,961,539, G>A. VCF-style: chr14-63961539-G-A. GRCh37 (hg19) VCF-style: chr14-64428257-G-A.
Other names: c.802G>A, p.Asp268Asn (NM_015180.6); short protein forms D268N.
Identifiers: ClinVar variation 470984 (VCV000470984.8), dbSNP rs1555400535, ClinGen allele CA389946712.
Genomic context (GRCh38, chr14:63,961,539, plus strand): 5'-ATAGTAAATGTGTAACAGCTAATTGATAGTGTGGTGTATCTTGCAGATGTGGATGTTGTT[G>A]ATCCTGATGAAAAGTCCATCATGACCTATGTGGCACAGTTTCTGCAGTATTCCAAAGATG-3'
Protein context (NP_878918.2, residues 258-278): LLEPEDVDVV[Asp268Asn]PDEKSIMTYV